The following is an entry in ClinVar:

NM_000036.3(AMPD1):c.1706T>A (p.Phe569Tyr)

Gene: AMPD1 (adenosine monophosphate deaminase 1; minus strand). Cytogenetic location: 1p13.2.
Variant type: single nucleotide variant.
Coding change: c.1706T>A on transcript NM_000036.3 (MANE Select); coding-DNA position 1706, T replaced by A.
Protein change: p.Phe569Tyr; replaces phenylalanine 569 with tyrosine.
Molecular consequence: missense variant.
Genome position (GRCh38, 1-based): chr1:114,674,846, A>T on the plus strand (T>A on the coding strand, the complement: AMPD1 is on the minus strand). VCF-style: chr1-114674846-A-T. GRCh37 (hg19) VCF-style: chr1-115217467-A-T.
Other names: c.1694T>A, p.Phe565Tyr (NM_001172626.2); short protein forms F565Y, F569Y.
Identifiers: ClinVar variation 1965367 (VCV001965367.5), dbSNP rs751714477, ClinGen allele CA1020036.

ClinVar aggregate classification (germline): Uncertain significance (1 of 4 stars; one submission).

Conditions:
Muscle AMP deaminase deficiency (MMDD). Also called: Myoadenylate deaminase deficiency, myopathy due to; Adenosine monophosphate deaminase 1 deficiency; AMP deaminase 1 deficiency; Adenosine Monophosphate Deaminase 1; AMPD1 DEFICIENCY; ADENOSINE MONOPHOSPHATE DEAMINASE-1 DEFICIENCY, MYOPATHY DUE TO. Identifiers: Orphanet 45, MedGen C3714933, MONDO:0014220, OMIM 615511.

Allele frequency attached by ClinVar (database versions not stated): ExAC 0.00001; gnomAD exomes 0.00001.
gnomAD v4.1: 4 of 1,614,138 alleles (0.00025%); highest among the groups gnomAD compares: Non-Finnish European, 0.00034%; no homozygotes.

Submission:

Labcorp Genetics (formerly Invitae), Labcorp
Classification: Uncertain significance for Muscle AMP deaminase deficiency. Last evaluated: 2023-11-27. Review status: criteria provided, single submitter. Criteria: Invitae Variant Classification Sherloc (09022015). Collection method: clinical testing. Allele origin: germline.
Comment: This sequence change replaces phenylalanine, which is neutral and non-polar, with tyrosine, which is neutral and polar, at codon 602 of the AMPD1 protein (p.Phe602Tyr). This variant is present in population databases (rs751714477, gnomAD 0.0009%). This variant has not been reported in the literature in individuals affected with AMPD1-related conditions. ClinVar contains an entry for this variant (Variation ID: 1965367). An algorithm developed to predict the effect of missense changes on protein structure and function (PolyPhen-2) suggests that this variant is likely to be disruptive. In summary, the available evidence is currently insufficient to determine the role of this variant in disease. Therefore, it has been classified as a Variant of Uncertain Significance.